The following is an entry in ClinVar:

NM_001003787.4(STRADA):c.859A>C (p.Met287Leu)

Gene: STRADA (STE20 related adaptor alpha; minus strand). Cytogenetic location: 17q23.3.
Variant type: single nucleotide variant.
Coding change: c.859A>C on transcript NM_001003787.4 (MANE Select); coding-DNA position 859, A replaced by C.
Protein change: p.Met287Leu; replaces methionine 287 with leucine.
Molecular consequence: missense variant. On other transcripts: non-coding transcript variant (1).
Genome position (GRCh38, 1-based): chr17:63,704,582, T>G on the plus strand (A>C on the coding strand, the complement: STRADA is on the minus strand). VCF-style: chr17-63704582-T-G. GRCh37 (hg19) VCF-style: chr17-61781942-T-G.
Other names: c.748A>C, p.Met250Leu (NM_001003786.3, NM_001363789.1, NM_153335.6); c.685A>C, p.Met229Leu (NM_001003788.3, NM_001363790.1, NM_001363791.1); c.772A>C, p.Met258Leu (NM_001165969.2, NM_001363787.1); c.727A>C, p.Met243Leu (NM_001165970.2); c.835A>C, p.Met279Leu (NM_001363786.1); c.859A>C, p.Met287Leu (NM_001363788.1); short protein forms M243L, M258L, M287L, M279L, M229L, M250L.
Identifiers: ClinVar variation 1519247 (VCV001519247.6), dbSNP rs2143726814, ClinGen allele CA400588911.

ClinVar aggregate classification (germline): Uncertain significance (1 of 4 stars; one submission).

Conditions:
Polyhydramnios, megalencephaly, and symptomatic epilepsy (PMSE). Also called: PMSE SYNDROME. Identifiers: Orphanet 500533, MedGen C1970203, MONDO:0012611, OMIM 611087.

Submission:

Labcorp Genetics (formerly Invitae), Labcorp
Classification: Uncertain significance for Polyhydramnios, megalencephaly, and symptomatic epilepsy. Last evaluated: 2021-09-15. Review status: criteria provided, single submitter. Criteria: Invitae Variant Classification Sherloc (09022015). Collection method: clinical testing. Allele origin: germline.
Comment: Algorithms developed to predict the effect of sequence changes on RNA splicing suggest that this variant may disrupt the consensus splice site. In summary, the available evidence is currently insufficient to determine the role of this variant in disease. Therefore, it has been classified as a Variant of Uncertain Significance. Algorithms developed to predict the effect of missense changes on protein structure and function are either unavailable or do not agree on the potential impact of this missense change (SIFT: "Tolerated"; PolyPhen-2: "Probably Damaging"; Align-GVGD: "Class C0"). This variant has not been reported in the literature in individuals affected with STRADA-related conditions. This variant is not present in population databases (ExAC no frequency). This sequence change replaces methionine with leucine at codon 287 of the STRADA protein (p.Met287Leu). The methionine residue is highly conserved and there is a small physicochemical difference between methionine and leucine.